The following is an entry in ClinVar:

NM_004360.5(CDH1):c.1093G>C (p.Val365Leu)

Gene: CDH1 (cadherin 1; plus strand). Cytogenetic location: 16q22.1.
Variant type: single nucleotide variant.
Coding change: c.1093G>C on transcript NM_004360.5 (MANE Select); coding-DNA position 1093, G replaced by C.
Protein change: p.Val365Leu; replaces valine 365 with leucine.
Molecular consequence: missense variant. On other transcripts: 5 prime UTR variant (2).
Genome position (GRCh38, 1-based): chr16:68,812,219, G>C. VCF-style: chr16-68812219-G-C. GRCh37 (hg19) VCF-style: chr16-68846122-G-C.
Other names: c.1093G>C (NM_004360.3); c.1093G>C, p.Val365Leu (NM_001317184.2); c.-523G>C (NM_001317185.2); c.-727G>C (NM_001317186.2); short protein forms V365L.
Identifiers: ClinVar variation 1038605 (VCV001038605.8), dbSNP rs1555515742, ClinGen allele CA396460109.

ClinVar aggregate classification (germline): Uncertain significance. Review status: criteria provided, multiple submitters, no conflicts (2 of 4 stars). 2 submissions from 2 submitters: Uncertain significance (2). Last evaluated 2023-02-13.

Conditions:
Hereditary cancer-predisposing syndrome. Also called: Neoplastic Syndromes, Hereditary; Hereditary Cancer Syndrome; Tumor predisposition; Hereditary neoplastic syndrome. Identifiers: Orphanet 140162, MedGen C0027672, MeSH D009386, MONDO:0015356.
Hereditary diffuse gastric adenocarcinoma (HDGC). Also called: DIFFUSE GASTRIC AND LOBULAR BREAST CANCER SYNDROME. Identifiers: Orphanet 26106, MedGen C1708349, MONDO:0007648, OMIM 137215.

Submissions (2):

Ambry Genetics
Classification: Uncertain significance for Hereditary cancer-predisposing syndrome. Last evaluated: 2023-02-13. Review status: criteria provided, single submitter. Criteria: Ambry Variant Classification Scheme 2023. Collection method: clinical testing. Allele origin: germline.
Comment: The p.V365L variant (also known as c.1093G>C), located in coding exon 8 of the CDH1 gene, results from a G to C substitution at nucleotide position 1093. The valine at codon 365 is replaced by leucine, an amino acid with highly similar properties. This amino acid position is well conserved in available vertebrate species. In addition, this alteration is predicted to be tolerated by in silico analysis. Since supporting evidence is limited at this time, the clinical significance of this alteration remains unclear.

Labcorp Genetics (formerly Invitae), Labcorp
Classification: Uncertain significance for Hereditary diffuse gastric adenocarcinoma. Last evaluated: 2021-09-09. Review status: criteria provided, single submitter. Criteria: Invitae Variant Classification Sherloc (09022015). Collection method: clinical testing. Allele origin: germline.
Comment: This variant is not present in population databases (ExAC no frequency). This variant has not been reported in the literature in individuals affected with CDH1-related conditions. This sequence change replaces valine with leucine at codon 365 of the CDH1 protein (p.Val365Leu). The valine residue is highly conserved and there is a small physicochemical difference between valine and leucine. Algorithms developed to predict the effect of missense changes on protein structure and function (SIFT, PolyPhen-2, Align-GVGD) all suggest that this variant is likely to be disruptive. In summary, the available evidence is currently insufficient to determine the role of this variant in disease. Therefore, it has been classified as a Variant of Uncertain Significance.